The following is an entry in ClinVar:

ClinVar aggregate classification (germline): Uncertain significance (1 of 4 stars; one submission).

Conditions:
Candidiasis, familial, 9 (CANDF9). Identifiers: Orphanet 1334, MedGen C4225324, MONDO:0014642, OMIM 616445.

Allele frequency attached by ClinVar (database versions not stated): ExAC 0.00001; gnomAD 0.00001.
gnomAD v4.1: 7 of 1,607,144 alleles (0.00044%); highest among the groups gnomAD compares: Non-Finnish European, 0.00059%; no homozygotes.

Submission:

Labcorp Genetics (formerly Invitae), Labcorp
Classification: Uncertain significance for Candidiasis, familial, 9. Last evaluated: 2022-08-22. Review status: criteria provided, single submitter. Criteria: Invitae Variant Classification Sherloc (09022015). Collection method: clinical testing. Allele origin: germline.
Comment: Algorithms developed to predict the effect of missense changes on protein structure and function output the following: SIFT: "Tolerated"; PolyPhen-2: "Benign"; Align-GVGD: "Class C0". The aspartic acid amino acid residue is found in multiple mammalian species, which suggests that this missense change does not adversely affect protein function. This variant has not been reported in the literature in individuals affected with IL17RC-related conditions. This variant is present in population databases (rs780547356, gnomAD 0.0009%). This sequence change replaces glycine, which is neutral and non-polar, with aspartic acid, which is acidic and polar, at codon 405 of the IL17RC protein (p.Gly405Asp). In summary, the available evidence is currently insufficient to determine the role of this variant in disease. Therefore, it has been classified as a Variant of Uncertain Significance.

NM_153460.4(IL17RC):c.1001G>A (p.Gly334Asp)

Gene: IL17RC (interleukin 17 receptor C; plus strand). Cytogenetic location: 3p25.3.
Variant type: single nucleotide variant.
Coding change: c.1001G>A on transcript NM_153460.4 (MANE Select); coding-DNA position 1001, G replaced by A.
Protein change: p.Gly334Asp; replaces glycine 334 with aspartic acid.
Molecular consequence: missense variant. On other transcripts: non-coding transcript variant (1).
Genome position (GRCh38, 1-based): chr3:9,928,428, G>A. VCF-style: chr3-9928428-G-A. GRCh37 (hg19) VCF-style: chr3-9970112-G-A.
Other names: c.1001G>A, p.Gly334Asp (NM_001203263.2, NM_001203264.2); c.956G>A, p.Gly319Asp (NM_001203265.2, NM_001367280.1, NM_001410711.1 and 1 more transcripts); c.962G>A, p.Gly321Asp (NM_001367278.1); c.881G>A, p.Gly294Asp (NM_001367279.1); c.1214G>A, p.Gly405Asp (NM_153461.4); short protein forms G294D, G321D, G334D, G405D, G319D.
Identifiers: ClinVar variation 2066873 (VCV002066873.4), dbSNP rs780547356, ClinGen allele CA2247098.
Genomic context (GRCh38, chr3:9,928,428, plus strand): 5'-GGCTGCTGGACGCACCGTGCTCGCTGCCCGCAGAAGCGGCACTGTGCTGGCGGGCTCCGG[G>A]TGGGGACCCCTGCCAGCCACTGGTCCCACCGCTTTCCTGGGAGAACGTCACTGTGGACGT-3'
Protein context (NP_703190.2, residues 324-344): AEAALCWRAP[Gly334Asp]GDPCQPLVPP